The following is an entry in ClinVar:

NM_152641.4(ARID2):c.3617C>T (p.Thr1206Met)

Gene: ARID2 (AT-rich interaction domain 2; plus strand). Cytogenetic location: 12q12.
Variant type: single nucleotide variant.
Coding change: c.3617C>T on transcript NM_152641.4 (MANE Select); coding-DNA position 3617, C replaced by T.
Protein change: p.Thr1206Met; replaces threonine 1206 with methionine.
Molecular consequence: missense variant.
Genome position (GRCh38, 1-based): chr12:45,851,740, C>T. VCF-style: chr12-45851740-C-T. GRCh37 (hg19) VCF-style: chr12-46245523-C-T.
Other names: c.3617C>T, p.Thr1206Met (NM_001347839.2); short protein forms T1206M.
Identifiers: ClinVar variation 2642913 (VCV002642913.24), dbSNP rs371554995, ClinGen allele CA6526496.

ClinVar aggregate classification (germline): Likely benign (1 of 4 stars; one submission).

Allele frequency attached by ClinVar (database versions not stated): gnomAD 0.00001; ExAC 0.00002; TOPMed 0.00004; ESP Exome Variant Server 0.00008.
gnomAD v4.1: 32 of 1,614,002 alleles (0.002%); highest among the groups gnomAD compares: African/African-American, 0.0053%; no homozygotes.

Submission:

CeGaT Center for Human Genetics Tuebingen
Classification: Likely benign. Last evaluated: 2023-05-01. Review status: criteria provided, single submitter. Criteria: CeGaT Center For Human Genetics Tuebingen Variant Classification Criteria Version 2. Collection method: clinical testing. Allele origin: germline. Affected: yes. Observed: 1 variant allele.
Comment: ARID2: BP4